The following is an entry in ClinVar:

NM_001277115.2(DNAH11):c.591_592del (p.Lys198fs)

Gene: DNAH11 (dynein axonemal heavy chain 11; plus strand). Cytogenetic location: 7p15.3.
Variant type: Deletion.
Coding change: c.591_592del on transcript NM_001277115.2 (MANE Select); coding-DNA positions 591 to 592, 2 bases deleted (GA; older notation c.591_592delGA).
Protein change: p.Lys198fs; shifts the reading frame from lysine 198.
Molecular consequence: frameshift variant.
Genome position (GRCh38, 1-based): chr7:21,558,897-21,558,898, GA deleted; deleting any 2 consecutive bases within chr7:21,558,896-21,558,898 gives the same sequence; the c. name uses the placement nearest the transcript's 3' end. VCF-style (leftmost placement, unchanged base first): chr7-21558895-AAG-A. GRCh37 (hg19) VCF-style: chr7-21598513-AAG-A.
Other names: c.591_592delGA, p.Lys198Aspfs (NM_003777.3); short protein forms K198fs.
Identifiers: ClinVar variation 2858008 (VCV002858008.3), dbSNP rs2534460645, ClinGen allele CA2739266289.

ClinVar aggregate classification (germline): Pathogenic (1 of 4 stars; one submission).

Conditions:
Primary ciliary dyskinesia. Also called: Ciliary dyskinesia. Identifiers: Orphanet 244, MedGen C0008780, MONDO:0016575, HP:0012265.

Submission:

Labcorp Genetics (formerly Invitae), Labcorp
Classification: Pathogenic for Primary ciliary dyskinesia. Last evaluated: 2023-04-20. Review status: criteria provided, single submitter. Criteria: Invitae Variant Classification Sherloc (09022015). Collection method: clinical testing. Allele origin: germline.
Comment: For these reasons, this variant has been classified as Pathogenic. This variant has not been reported in the literature in individuals affected with DNAH11-related conditions. This variant is not present in population databases (gnomAD no frequency). This sequence change creates a premature translational stop signal (p.Lys198Aspfs*5) in the DNAH11 gene. It is expected to result in an absent or disrupted protein product. Loss-of-function variants in DNAH11 are known to be pathogenic (PMID: 18022865, 20513915, 22184204).

Literature cited by the submitters: PubMed 18022865; PubMed 20513915; PubMed 22184204.